The following is an entry in ClinVar:

NM_031483.7(ITCH):c.2465A>G (p.Asn822Ser)

Gene: ITCH (itchy E3 ubiquitin protein ligase; plus strand). Cytogenetic location: 20q11.22.
Variant type: single nucleotide variant.
Coding change: c.2465A>G on transcript NM_031483.7 (MANE Select); coding-DNA position 2465, A replaced by G.
Protein change: p.Asn822Ser; replaces asparagine 822 with serine.
Molecular consequence: missense variant.
Genome position (GRCh38, 1-based): chr20:34,504,379, A>G. VCF-style: chr20-34504379-A-G. GRCh37 (hg19) VCF-style: chr20-33092184-A-G.
Other names: c.2588A>G, p.Asn863Ser (NM_001257137.3, NM_001324197.2); c.2135A>G, p.Asn712Ser (NM_001257138.3); c.2465A>G, p.Asn822Ser (NM_001324198.2); short protein forms N712S, N822S, N863S.
Identifiers: ClinVar variation 844217 (VCV000844217.8), dbSNP rs1990486060, ClinGen allele CA408663055.

ClinVar aggregate classification (germline): Uncertain significance (1 of 4 stars; one submission).

Conditions:
Syndromic multisystem autoimmune disease due to ITCH deficiency. Also called: AUTOIMMUNE DISEASE, MULTISYSTEM, WITH FACIAL DYSMORPHISM. Identifiers: Orphanet 228426, MedGen C3150649, MONDO:0013245, OMIM 613385.

Submission:

Labcorp Genetics (formerly Invitae), Labcorp
Classification: Uncertain significance for Syndromic multisystem autoimmune disease due to ITCH deficiency. Last evaluated: 2019-05-06. Review status: criteria provided, single submitter. Criteria: Invitae Variant Classification Sherloc (09022015). Collection method: clinical testing. Allele origin: germline.
Comment: This variant is not present in population databases (ExAC no frequency). This sequence change replaces asparagine with serine at codon 822 of the ITCH protein (p.Asn822Ser). The asparagine residue is moderately conserved and there is a small physicochemical difference between asparagine and serine. This variant has not been reported in the literature in individuals with ITCH-related conditions. Algorithms developed to predict the effect of missense changes on protein structure and function are either unavailable or do not agree on the potential impact of this missense change (SIFT: "Tolerated"; PolyPhen-2: "Probably Damaging"; Align-GVGD: "Class C0"). In summary, the available evidence is currently insufficient to determine the role of this variant in disease. Therefore, it has been classified as a Variant of Uncertain Significance.